The following is an entry in ClinVar:

ClinVar aggregate classification (germline): Benign/Likely benign. Review status: criteria provided, multiple submitters, no conflicts (2 of 4 stars). 7 submissions from 7 submitters: Benign (3); Likely benign (4). Last evaluated 2026-02-01.

Conditions:
Primary ciliary dyskinesia. Also called: Ciliary dyskinesia. Identifiers: Orphanet 244, MedGen C0008780, MONDO:0016575, HP:0012265.
Primary ciliary dyskinesia 9. Also called: CILIARY DYSKINESIA, PRIMARY, 9, WITH OR WITHOUT SITUS INVERSUS. Identifiers: Orphanet 244, MedGen C2676235, MONDO:0012906, OMIM 612444.

Allele frequency attached by ClinVar (database versions not stated): gnomAD exomes 0.00247; ExAC 0.00254; gnomAD 0.00497 and 0.00529; TOPMed 0.00511; ESP Exome Variant Server 0.00569; 1000 Genomes Project 0.00599; 1000 Genomes Project 30x 0.00734.
gnomAD v4.1: 2,714 of 1,613,796 alleles (0.17%); highest among the groups gnomAD compares: African/African-American, 1.4%; 14 homozygotes.

Submissions (7):

Labcorp Genetics (formerly Invitae), Labcorp
Classification: Benign for Primary ciliary dyskinesia. Last evaluated: 2026-02-01. Review status: criteria provided, single submitter. Criteria: Invitae Variant Classification Sherloc (09022015). Collection method: clinical testing. Allele origin: germline.

CeGaT Center for Human Genetics Tuebingen
Classification: Likely benign. Last evaluated: 2024-11-01. Review status: criteria provided, single submitter. Criteria: CeGaT Center For Human Genetics Tuebingen Variant Classification Criteria Version 2. Collection method: clinical testing. Allele origin: germline. Affected: yes. Observed: 2 variant alleles.
Comment: DNAI2: BS1

ARUP Laboratories, Molecular Genetics and Genomics, ARUP Laboratories
Classification: Benign for Primary ciliary dyskinesia 9. Last evaluated: 2023-10-23. Review status: criteria provided, single submitter. Criteria: ARUP Molecular Germline Variant Investigation Process 2024. Collection method: clinical testing. Allele origin: germline.

GeneDx
Classification: Likely benign. Last evaluated: 2023-09-13. Review status: criteria provided, single submitter. Criteria: GeneDx Variant Classification Process June 2021. Collection method: clinical testing. Allele origin: germline. Affected: yes.
Comment: See Variant Classification Assertion Criteria.

Illumina Laboratory Services, Illumina
Classification: Likely benign for Primary ciliary dyskinesia 9. Last evaluated: 2018-01-13. Review status: criteria provided, single submitter. Criteria: ICSL Variant Classification Criteria 13 December 2019. Collection method: clinical testing. Allele origin: germline.
Comment: This variant was observed in the ICSL laboratory as part of a predisposition screen in an ostensibly healthy population. It had not been previously curated by ICSL or reported in the Human Gene Mutation Database (HGMD: prior to June 1st, 2018), and was therefore a candidate for classification through an automated scoring system. Utilizing variant allele frequency, disease prevalence and penetrance estimates, and inheritance mode, an automated score was calculated to assess if this variant is too frequent to cause the disease. Based on the score and internal cut-off values, a variant classified as likely benign is not then subjected to further curation. The score for this variant resulted in a classification of likely benign for this disease.

Ambry Genetics
Classification: Benign for Primary ciliary dyskinesia. Last evaluated: 2015-01-16. Review status: criteria provided, single submitter. Criteria: Ambry Variant Classification Scheme 2023. Collection method: clinical testing. Allele origin: germline.

Breakthrough Genomics
Classification: Likely benign. Review status: criteria provided, single submitter. Criteria: ACMG Guidelines, 2015. Collection method: not provided. Allele origin: germline. Inheritance: Autosomal recessive inheritance. Affected: yes.

NM_023036.6(DNAI2):c.1462C>T (p.Leu488Phe)

Gene: DNAI2 (dynein axonemal intermediate chain 2; plus strand). Cytogenetic location: 17q25.1.
Variant type: single nucleotide variant.
Coding change: c.1462C>T on transcript NM_023036.6 (MANE Select); coding-DNA position 1462, C replaced by T.
Protein change: p.Leu488Phe; replaces leucine 488 with phenylalanine.
Molecular consequence: missense variant. On other transcripts: non-coding transcript variant (1).
Genome position (GRCh38, 1-based): chr17:74,310,131, C>T. VCF-style: chr17-74310131-C-T. GRCh37 (hg19) VCF-style: chr17-72306270-C-T.
Other names: c.1426C>T, p.Leu476Phe (NM_001172810.3); c.1462C>T, p.Leu488Phe (NM_001353167.2); short protein forms L488F, L476F.
Identifiers: ClinVar variation 415318 (VCV000415318.51), dbSNP rs61736879, ClinGen allele CA8745784.